The following is an entry in ClinVar:

ClinVar aggregate classification (germline): Uncertain significance. Review status: criteria provided, multiple submitters, no conflicts (2 of 4 stars). 6 submissions from 6 submitters: Uncertain significance (5). 1 of the submissions does not count toward it. Last evaluated 2024-10-10.

Conditions:
Hearing loss, autosomal dominant 73. Also called: DEAFNESS, AUTOSOMAL DOMINANT 73. Identifiers: MedGen C4540024, MONDO:0033260, OMIM 617663.
Autosomal recessive nonsyndromic hearing loss 84A. Also called: DEAFNESS, AUTOSOMAL RECESSIVE 84A; DEAFNESS, AUTOSOMAL RECESSIVE 84A, WITH VESTIBULAR DYSFUNCTION. Identifiers: Orphanet 90636, MedGen C3150654, MONDO:0013249, OMIM 613391.
Hearing loss, autosomal recessive. Also called: Deafness, autosomal recessive; Nonsyndromic Hearing Loss, Recessive; Autosomal recessive nonsyndromic deafness; Rare autosomal recessive non-syndromic sensorineural deafness type DFNB. Identifiers: Orphanet 90635, Orphanet 90636, MedGen C1846647, MONDO:0019588, OMIM 607197.
PTPRQ-related disorder. Also called: PTPRQ-related condition.

Allele frequency attached by ClinVar (database versions not stated): 1000 Genomes Project 0.00020; 1000 Genomes Project 30x 0.00094; ExAC 0.00116; gnomAD 0.00136 and 0.00141; gnomAD exomes 0.00137 and 0.00211; TOPMed 0.00141; ESP Exome Variant Server 0.00153.
gnomAD v4.1: 3,122 of 1,549,064 alleles (0.2%); highest among the groups gnomAD compares: Non-Finnish European, 0.25%; 5 homozygotes.

Submissions (6):

Blueprint Genetics
Classification: Uncertain significance. Last evaluated: 2024-10-10. Review status: criteria provided, single submitter. Criteria: ACMG Guidelines, 2015. Collection method: clinical testing. Allele origin: germline.

Department of Pathology and Laboratory Medicine, Sinai Health System
Classification: Uncertain significance for hearing loss, autosomal recessive. Last evaluated: 2022-03-07. Review status: criteria provided, single submitter. Criteria: ACMG Guidelines, 2015. Collection method: research. Allele origin: germline.

Fulgent Genetics
Classification: Uncertain significance for Autosomal recessive nonsyndromic hearing loss 84A; Hearing loss, autosomal dominant 73. Last evaluated: 2018-10-31. Review status: criteria provided, single submitter. Criteria: ACMG Guidelines, 2015. Collection method: clinical testing. Allele origin: unknown.

GeneDx
Classification: Uncertain significance. Last evaluated: 2017-03-06. Review status: criteria provided, single submitter. Criteria: GeneDx Variant Classification (06012015). Collection method: clinical testing. Allele origin: germline. Affected: yes.
Comment: The M2196V variant in the PTPRQ gene has not been reported previously as a pathogenic variant, nor as a benign variant, to our knowledge. The M2196V variant is observed in 19/9348 (0.2%) alleles from individuals of European background, in the ExAC dataset (Lek et al., 2016). The M2196V variant is a conservative amino acid substitution, which is not likely to impact secondary protein structure as these residues share similar properties. This substitution occurs at a position where amino acids with similar properties to Methionine are tolerated across species. In silico analysis is inconsistent in its predictions as to whether or not the variant is damaging to the protein structure/function. We interpret M2196V as a variant of uncertain significance.

Breakthrough Genomics
Classification: Uncertain significance. Review status: criteria provided, single submitter. Criteria: ACMG Guidelines, 2015. Collection method: not provided. Allele origin: germline. Inheritance: Autosomal recessive inheritance. Affected: yes.

PreventionGenetics, part of Exact Sciences
Classification: Likely benign for PTPRQ-related condition. Last evaluated: 2023-01-05. Review status: no assertion criteria provided. Collection method: clinical testing. Allele origin: germline. Not counted in ClinVar's aggregate classification.
Comment: This variant is classified as likely benign based on ACMG/AMP sequence variant interpretation guidelines (Richards et al. 2015 PMID: 25741868, with internal and published modifications).

NM_001145026.2(PTPRQ):c.6586A>G (p.Met2196Val)

Gene: PTPRQ (protein tyrosine phosphatase receptor type Q; plus strand). Cytogenetic location: 12q21.31.
Variant type: single nucleotide variant.
Coding change: c.6586A>G on transcript NM_001145026.2 (MANE Select); coding-DNA position 6586, A replaced by G.
Protein change: p.Met2196Val; replaces methionine 2196 with valine.
Molecular consequence: missense variant.
Genome position (GRCh38, 1-based): chr12:80,670,476, A>G. VCF-style: chr12-80670476-A-G. GRCh37 (hg19) VCF-style: chr12-81064255-A-G.
Other names: short protein forms M2196V.
Identifiers: ClinVar variation 423816 (VCV000423816.8), dbSNP rs200166814, ClinGen allele CA6702975.